The following is an entry in ClinVar:

NM_017617.5(NOTCH1):c.2157_2158insGTCAATTAG (p.Cys720delinsValAsnTer)

Gene: NOTCH1 (notch receptor 1; minus strand). Cytogenetic location: 9q34.3.
Variant type: Insertion.
Coding change: c.2157_2158insGTCAATTAG on transcript NM_017617.5 (MANE Select); coding-DNA positions 2157 to 2158, GTCAATTAG inserted.
Protein change: p.Cys720delinsValAsnTer.
Molecular consequence: nonsense.
Genome position: GRCh38 VCF-style: chr9-136514559-A-ACTAATTGAC. GRCh37 (hg19) VCF-style: chr9-139409011-A-ACTAATTGAC.
Identifiers: ClinVar variation 4720798 (VCV004720798.1).
Genomic context (GRCh38, chr9:136,514,559, plus strand): 5'-CCGCCGCATACCCGTTGAGGCTGTCCCGGCAGGCCCCGTGGACGCAGGGGTTGCTGTTGC[A>ACTAATTGAC]CTCATTGACCTCAGACAGGCAGGTGGGGTCGTGGTAGCCCTCGGGGCAGCGGCAGGTGAA-3'

ClinVar aggregate classification (germline): Pathogenic (1 of 4 stars; one submission).

Conditions:
Adams-Oliver syndrome 5 (AOS5). Identifiers: Orphanet 974, MedGen C4014970, MONDO:0014459, OMIM 616028.

Submission:

Labcorp Genetics (formerly Invitae), Labcorp
Classification: Pathogenic for Adams-Oliver syndrome 5. Last evaluated: 2025-06-04. Review status: criteria provided, single submitter. Criteria: Invitae Variant Classification Sherloc (09022015). Collection method: clinical testing. Allele origin: germline.
Comment: This sequence change creates a premature translational stop signal (p.Cys720delinsValAsn*) in the NOTCH1 gene. It is expected to result in an absent or disrupted protein product. Loss-of-function variants in NOTCH1 are known to be pathogenic (PMID: 16025100, 21457232, 25132448, 25963545, 32720365, 33630301). This variant is not present in population databases (gnomAD no frequency). This variant has not been reported in the literature in individuals affected with NOTCH1-related conditions. For these reasons, this variant has been classified as Pathogenic.

Literature cited by the submitters: PubMed 16025100; PubMed 21457232; PubMed 25132448; PubMed 25963545; PubMed 32720365; PubMed 33630301.